The following is an entry in ClinVar:

ClinVar aggregate classification (germline): Uncertain significance (1 of 4 stars; one submission).

Conditions:
Familial thoracic aortic aneurysm and aortic dissection (TAAD). Also called: Thoracic aortic aneurysms and dissections. Identifiers: Orphanet 91387, MedGen C4707243, MONDO:0019625.
Marfan syndrome (MFS). Also called: FBN1-Related Marfan Syndrome; Marfan's syndrome; MARFAN SYNDROME, TYPE I; Marfan syndrome type 1; Marfan syndrome, classic. Identifiers: Orphanet 284963, Orphanet 558, MedGen C0024796, MONDO:0007947, OMIM 154700.

Submission:

Labcorp Genetics (formerly Invitae), Labcorp
Classification: Uncertain significance for Marfan syndrome; Familial thoracic aortic aneurysm and aortic dissection. Last evaluated: 2019-12-04. Review status: criteria provided, single submitter. Criteria: Invitae Variant Classification Sherloc (09022015). Collection method: clinical testing. Allele origin: germline.
Comment: In summary, the available evidence is currently insufficient to determine the role of this variant in disease. Therefore, it has been classified as a Variant of Uncertain Significance. Algorithms developed to predict the effect of missense changes on protein structure and function (SIFT, PolyPhen-2, Align-GVGD) all suggest that this variant is likely to be tolerated, but these predictions have not been confirmed by published functional studies and their clinical significance is uncertain. This variant has been observed in individual(s) with Marfan syndrome (Invitae). This variant is not present in population databases (ExAC no frequency). This sequence change replaces serine with proline at codon 367 of the FBN1 protein (p.Ser367Pro). The serine residue is highly conserved and there is a moderate physicochemical difference between serine and proline.

NM_000138.5(FBN1):c.1099T>C (p.Ser367Pro)

Genes: FBN1 (fibrillin 1; minus strand), LOC113939944 (Sharpr-MPRA regulatory region 9539; plus strand). Cytogenetic location: 15q21.1.
Variant type: single nucleotide variant.
Coding change: c.1099T>C on transcript NM_000138.5 (MANE Select); coding-DNA position 1099, T replaced by C.
Protein change: p.Ser367Pro; replaces serine 367 with proline.
Molecular consequence: missense variant.
Genome position (GRCh38, 1-based): chr15:48,520,707, A>G on the plus strand (T>C on the coding strand, the complement: FBN1 is on the minus strand). VCF-style: chr15-48520707-A-G. GRCh37 (hg19) VCF-style: chr15-48812904-A-G.
Other names: short protein forms S367P.
Identifiers: ClinVar variation 837209 (VCV000837209.9), dbSNP rs2043845566, ClinGen allele CA392347340.